The following is an entry in ClinVar:

ClinVar aggregate classification (germline): Uncertain significance. Review status: criteria provided, multiple submitters, no conflicts (2 of 4 stars). 9 submissions from 9 submitters: Uncertain significance (9). Last evaluated 2025-12-10.

Conditions:
Primary dilated cardiomyopathy (DCM). Also called: Dilated Cardiomyopathy. Identifiers: Orphanet 217604, MedGen C0007193, MeSH D002311, MONDO:0005021, HP:0001644. Inheritance: Various modes of inheritance.
Hypertrophic cardiomyopathy. Also called: HYPERTROPHIC MYOCARDIOPATHY. Identifiers: Orphanet 217569, MedGen C0007194, MeSH D002312, MONDO:0005045, HP:0001639.
Cardiomyopathy (CMYO). Also called: Cardiomyopathies. Identifiers: Orphanet 167848, MedGen C0878544, MONDO:0004994, HP:0001638. Inheritance: Various modes of inheritance.
Cardiovascular phenotype. Identifiers: MedGen CN230736.

Allele frequency attached by ClinVar (database versions not stated): ExAC 0.00001; gnomAD exomes 0.00001 and 0.00004.
gnomAD v4.1: 56 of 1,613,822 alleles (0.0035%); highest among the groups gnomAD compares: Non-Finnish European, 0.0046%; no homozygotes.

Submissions (9):

Labcorp Genetics (formerly Invitae), Labcorp
Classification: Uncertain significance for Hypertrophic cardiomyopathy. Last evaluated: 2025-12-10. Review status: criteria provided, single submitter. Criteria: Invitae Variant Classification Sherloc (09022015). Collection method: clinical testing. Allele origin: germline.
Comment: This sequence change replaces isoleucine, which is neutral and non-polar, with threonine, which is neutral and polar, at codon 274 of the MYH7 protein (p.Ile274Thr). This variant is present in population databases (rs773456019, gnomAD 0.002%). This variant has not been reported in the literature in individuals affected with MYH7-related conditions. ClinVar contains an entry for this variant (Variation ID: 626547). Invitae Evidence Modeling of protein sequence and biophysical properties (such as structural, functional, and spatial information, amino acid conservation, physicochemical variation, residue mobility, and thermodynamic stability) indicates that this missense variant is not expected to disrupt MYH7 protein function with a negative predictive value of 95%. This variant is found within a region of MYH7 between codons 181 and 937 that contains the majority of the myosin head domain. Missense variants in this region have been shown to be significantly overrepresented in individuals with hypertrophic cardiomyopathy (PMID: 27532257). In summary, the available evidence is currently insufficient to determine the role of this variant in disease. Therefore, it has been classified as a Variant of Uncertain Significance.

Women's Health and Genetics/Laboratory Corporation of America, LabCorp
Classification: Uncertain significance. Last evaluated: 2025-12-08. Review status: criteria provided, single submitter. Criteria: LabCorp Variant Classification Summary - May 2015. Collection method: clinical testing. Allele origin: germline.
Comment: Variant summary: MYH7 c.821T>C (p.Ile274Thr) results in a non-conservative amino acid change in the encoded protein sequence. Algorithms developed to predict the effect of missense changes on protein structure and function are either unavailable or do not agree on the potential impact of this missense change. The variant allele was found at a frequency of 8e-06 in 251396 control chromosomes. The available data on variant occurrences in the general population are insufficient to allow any conclusion about variant significance. c.821T>C has been observed in a pediatric case of Cardiomyopathy (Ware_2021). This report does not provide unequivocal conclusions about association of the variant with Cardiomyopathy. To our knowledge, no experimental evidence demonstrating an impact on protein function has been reported. The following publication has been ascertained in the context of this evaluation (PMID: 33906374). ClinVar contains an entry for this variant (Variation ID: 626547). Based on the evidence outlined above, the variant was classified as uncertain significance.

Revvity Omics, Revvity
Classification: Uncertain significance. Last evaluated: 2025-04-21. Review status: criteria provided, single submitter. Criteria: ACMG Guidelines, 2015. Collection method: clinical testing. Allele origin: germline.

All of Us Research Program, National Institutes of Health
Classification: Uncertain significance for Cardiomyopathy. Last evaluated: 2024-08-13. Review status: criteria provided, single submitter. Criteria: ACMG Guidelines, 2015. Collection method: clinical testing. Allele origin: germline. Inheritance: Autosomal dominant inheritance. Observed: 4 variant alleles, 4 heterozygotes.
Comment: This missense variant replaces isoleucine with threonine at codon 274 of the MYH7 protein. Computational prediction suggests that this variant may not impact protein structure and function (internally defined REVEL score threshold <= 0.5, PMID: 27666373). To our knowledge, functional studies have not been reported for this variant. This variant has not been reported in individuals affected with MYH7-related disorders in the literature. This variant has been identified in 2/251396 chromosomes in the general population by the Genome Aggregation Database (gnomAD). The available evidence is insufficient to determine the role of this variant in disease conclusively. Therefore, this variant is classified as a Variant of Uncertain Significance.

This study involves interpretation of variants in research participants for the purpose of population health screening. Participant phenotype was not available at the time of variant classification. Additional details can be found in publication PMID: 35346344, PMCID: PMC8962531

Ambry Genetics
Classification: Uncertain significance for Cardiovascular phenotype. Last evaluated: 2024-05-20. Review status: criteria provided, single submitter. Criteria: Ambry Variant Classification Scheme 2023. Collection method: clinical testing. Allele origin: germline.
Comment: The p.I274T variant (also known as c.821T>C), located in coding exon 8 of the MYH7 gene, results from a T to C substitution at nucleotide position 821. The isoleucine at codon 274 is replaced by threonine, an amino acid with similar properties. This amino acid position is not well conserved in available vertebrate species. In addition, this alteration is predicted to be tolerated by in silico analysis. Based on the available evidence, the clinical significance of this variant remains unclear.

GeneDx
Classification: Uncertain significance. Last evaluated: 2023-12-12. Review status: criteria provided, single submitter. Criteria: GeneDx Variant Classification Process June 2021. Collection method: clinical testing. Allele origin: germline. Affected: yes.
Comment: Has not been previously published as pathogenic or benign to our knowledge; Not observed at significant frequency in large population cohorts (gnomAD); In silico analysis supports that this missense variant does not alter protein structure/function; This variant is associated with the following publications: (PMID: 27532257, 29300372)

Color Diagnostics, LLC DBA Color Health
Classification: Uncertain significance for Cardiomyopathy. Last evaluated: 2023-08-30. Review status: criteria provided, single submitter. Criteria: ACMG Guidelines, 2015. Collection method: clinical testing. Allele origin: germline.
Comment: This missense variant replaces isoleucine with threonine at codon 274 of the MYH7 protein. Computational prediction suggests that this variant may not impact protein structure and function (internally defined REVEL score threshold <= 0.5, PMID: 27666373). To our knowledge, functional studies have not been reported for this variant. This variant has not been reported in individuals affected with MYH7-related disorders in the literature. This variant has been identified in 2/251396 chromosomes in the general population by the Genome Aggregation Database (gnomAD). The available evidence is insufficient to determine the role of this variant in disease conclusively. Therefore, this variant is classified as a Variant of Uncertain Significance.

Genetics and Molecular Pathology, SA Pathology
Classification: Uncertain significance for Primary dilated cardiomyopathy. Last evaluated: 2023-06-19. Review status: criteria provided, single submitter. Criteria: ACMG Guidelines, 2015. Collection method: clinical testing. Allele origin: germline. Affected: yes.
Comment: The MYH7 c.821T>C variant is classified as VUS (PM1, PM2) The MYH7 c.821T>C variant is a single nucleotide change in exon 10/40 of the MYH7 gene, which is predicted to change the amino acid isoleucine at position 274 in the protein, to threonine. This variant is located in the conserved functional domain of the MYH7 protein (PM1) and is rare in population databases (PM2). The variant has been reported in dbSNP (rs773456019), is not reported in HGMD and has been reported as Uncertain significance by other diagnostic laboratories, associated with a cardiomyopathy phenotype (ClinVar Variation ID: 626547).

CHEO Genetics Diagnostic Laboratory, Children's Hospital of Eastern Ontario
Classification: Uncertain significance for Cardiomyopathy. Last evaluated: 2021-04-21. Review status: criteria provided, single submitter. Criteria: ACMG Guidelines, 2015. Collection method: clinical testing. Allele origin: germline. Study: Canadian Open Genetics Repository.

Literature cited by the submitters: PubMed 27532257 (cited by Labcorp Genetics (formerly Invitae), Labcorp); PubMed 33906374 (cited by Women's Health and Genetics/Laboratory Corporation of America, LabCorp).

NM_000257.4(MYH7):c.821T>C (p.Ile274Thr)

Gene: MYH7 (myosin heavy chain 7; minus strand). Cytogenetic location: 14q11.2.
Variant type: single nucleotide variant.
Coding change: c.821T>C on transcript NM_000257.4 (MANE Select); coding-DNA position 821, T replaced by C.
Protein change: p.Ile274Thr; replaces isoleucine 274 with threonine.
Molecular consequence: missense variant.
Genome position (GRCh38, 1-based): chr14:23,430,975, A>G on the plus strand (T>C on the coding strand, the complement: MYH7 is on the minus strand). VCF-style: chr14-23430975-A-G. GRCh37 (hg19) VCF-style: chr14-23900184-A-G.
Other names: c.821T>C (LRG_384t1); short protein forms I274T.
Identifiers: ClinVar variation 626547 (VCV000626547.25), dbSNP rs773456019, ClinGen allele CA049321.